The following is an entry in ClinVar:

NM_000760.4(CSF3R):c.2405C>T (p.Thr802Ile)

Gene: CSF3R (colony stimulating factor 3 receptor; minus strand). Cytogenetic location: 1p34.3.
Variant type: single nucleotide variant.
Coding change: c.2405C>T on transcript NM_000760.4 (MANE Select); coding-DNA position 2405, C replaced by T.
Protein change: p.Thr802Ile; replaces threonine 802 with isoleucine.
Molecular consequence: missense variant. On other transcripts: intron variant (1).
Genome position (GRCh38, 1-based): chr1:36,466,463, G>A on the plus strand (C>T on the coding strand, the complement: CSF3R is on the minus strand). VCF-style: chr1-36466463-G-A. GRCh37 (hg19) VCF-style: chr1-36932064-G-A.
Other names: p.Thr802Ile; c.2486C>T, p.Thr829Ile (NM_156039.3); c.2247+158C>T (NM_172313.3); c.2405C>T (NM_000760.3); short protein forms T829I, T802I.
Identifiers: ClinVar variation 1361007 (VCV001361007.10), dbSNP rs371426547, ClinGen allele CA768900.

ClinVar aggregate classification (germline): Uncertain significance. Review status: criteria provided, multiple submitters, no conflicts (2 of 4 stars). 3 submissions from 3 submitters: Uncertain significance (3). Last evaluated 2025-06-03.

Conditions:
Autosomal recessive severe congenital neutropenia due to CSF3R deficiency. Also called: Neutropenia, severe congenital, 7, autosomal recessive. Identifiers: Orphanet 420702, MedGen C4310764, MONDO:0014865, OMIM 617014.

Allele frequency attached by ClinVar (database versions not stated): ExAC 0.00001; gnomAD 0.00002; gnomAD exomes 0.00002; TOPMed 0.00004; ESP Exome Variant Server 0.00023.
gnomAD v4.1: 21 of 1,612,202 alleles (0.0013%); highest among the groups gnomAD compares: Middle Eastern, 0.017%; no homozygotes.

Submissions (3):

Labcorp Genetics (formerly Invitae), Labcorp
Classification: Uncertain significance for Autosomal recessive severe congenital neutropenia due to CSF3R deficiency. Last evaluated: 2025-06-03. Review status: criteria provided, single submitter. Criteria: Invitae Variant Classification Sherloc (09022015). Collection method: clinical testing. Allele origin: germline.
Comment: This sequence change replaces threonine, which is neutral and polar, with isoleucine, which is neutral and non-polar, at codon 802 of the CSF3R protein (p.Thr802Ile). This variant is present in population databases (rs371426547, gnomAD 0.01%). This variant has not been reported in the literature in individuals affected with CSF3R-related conditions. ClinVar contains an entry for this variant (Variation ID: 1361007). An algorithm developed to predict the effect of missense changes on protein structure and function (PolyPhen-2) suggests that this variant is likely to be tolerated. In summary, the available evidence is currently insufficient to determine the role of this variant in disease. Therefore, it has been classified as a Variant of Uncertain Significance.

Blueprint Genetics
Classification: Uncertain significance. Last evaluated: 2024-07-22. Review status: criteria provided, single submitter. Criteria: ACMG Guidelines, 2015. Collection method: clinical testing. Allele origin: germline.

Mayo Clinic Laboratories, Mayo Clinic
Classification: Uncertain significance. Last evaluated: 2022-07-13. Review status: criteria provided, single submitter. Criteria: ACMG Guidelines, 2015. Collection method: clinical testing. Allele origin: germline. Observed: 5 variant alleles.
Comment: BP4